The following is an entry in ClinVar:

ClinVar aggregate classification (germline): Uncertain significance (1 of 4 stars; one submission).

Conditions:
Beckwith-Wiedemann syndrome (BWS). Also called: EMG SYNDROME; Exomphalos macroglossia gigantism syndrome. Identifiers: Orphanet 116, MedGen C0004903, MONDO:0007534, OMIM 130650.

Allele frequency attached by ClinVar (database versions not stated): gnomAD exomes below 0.00001; TOPMed below 0.00001; gnomAD 0.00001.

Submission:

Labcorp Genetics (formerly Invitae), Labcorp
Classification: Uncertain significance for Beckwith-Wiedemann syndrome. Last evaluated: 2024-11-04. Review status: criteria provided, single submitter. Criteria: Invitae Variant Classification Sherloc (09022015). Collection method: clinical testing. Allele origin: germline.
Comment: This sequence change replaces proline, which is neutral and non-polar, with leucine, which is neutral and non-polar, at codon 188 of the CDKN1C protein (p.Pro188Leu). The frequency data for this variant in the population databases is considered unreliable, as metrics indicate poor data quality at this position in the gnomAD database. This variant has not been reported in the literature in individuals affected with CDKN1C-related conditions. ClinVar contains an entry for this variant (Variation ID: 951160). Invitae Evidence Modeling of protein sequence and biophysical properties (such as structural, functional, and spatial information, amino acid conservation, physicochemical variation, residue mobility, and thermodynamic stability) indicates that this missense variant is not expected to disrupt CDKN1C protein function with a negative predictive value of 80%. In summary, the available evidence is currently insufficient to determine the role of this variant in disease. Therefore, it has been classified as a Variant of Uncertain Significance.

NM_001122630.2(CDKN1C):c.530C>T (p.Pro177Leu)

Gene: CDKN1C (cyclin dependent kinase inhibitor 1C; minus strand). Cytogenetic location: 11p15.4.
Variant type: single nucleotide variant.
Coding change: c.530C>T on transcript NM_001122630.2 (MANE Select); coding-DNA position 530, C replaced by T.
Protein change: p.Pro177Leu; replaces proline 177 with leucine.
Molecular consequence: missense variant. On other transcripts: intron variant (1).
Genome position (GRCh38, 1-based): chr11:2,884,927, G>A on the plus strand (C>T on the coding strand, the complement: CDKN1C is on the minus strand). VCF-style: chr11-2884927-G-A. GRCh37 (hg19) VCF-style: chr11-2906157-G-A.
Other names: c.563C>T, p.Pro188Leu (NM_000076.2, NM_001362474.2); c.530C>T, p.Pro177Leu (NM_001122631.2); c.255+275C>T (NM_001362475.2); short protein forms P177L, P188L.
Identifiers: ClinVar variation 951160 (VCV000951160.9), dbSNP rs1370733962, ClinGen allele CA379146456.
Genomic context (GRCh38, chr11:2,884,927, plus strand): 5'-GGGGCCGGGGCCGGGGCCGGGGCTGGGGCCGGGGCCGCGACTGGAGCCGGGGCCGGAGCC[G>A]GAGCCGGAGCCGGGGCCGGGGCCGGGGCCAGGACCGCGACCGCGACCGGAGCCGCGACCG-3'
Protein context (NP_001116102.1, residues 167-187): LAPAPAPAPA[Pro177Leu]APAPAPVAAP